The following is an entry in ClinVar:

ClinVar aggregate classification (germline): Uncertain significance. Review status: criteria provided, multiple submitters, no conflicts (2 of 4 stars). 2 submissions from 2 submitters: Uncertain significance (2). Last evaluated 2023-06-21.

Conditions:
Intellectual developmental disorder, autosomal dominant 52. Also called: Mental retardation, autosomal dominant 52; Intellectual disability, autosomal dominant 52. Identifiers: MedGen C4540478, MONDO:0030918, OMIM 617796.

gnomAD v4.1: 1 of 1,614,146 alleles (0.000062%); highest among the groups gnomAD compares: Non-Finnish European, 0.000085%; no homozygotes.

Submissions (2):

Revvity Omics, Revvity
Classification: Uncertain significance for Intellectual developmental disorder, autosomal dominant 52. Last evaluated: 2023-06-21. Review status: criteria provided, single submitter. Criteria: ACMG Guidelines, 2015. Collection method: clinical testing. Allele origin: germline.

GeneDx
Classification: Uncertain significance. Last evaluated: 2023-03-06. Review status: criteria provided, single submitter. Criteria: GeneDx Variant Classification Process June 2021. Collection method: clinical testing. Allele origin: germline. Affected: yes.
Comment: Not observed at significant frequency in large population cohorts (gnomAD); In silico analysis supports that this missense variant does not alter protein structure/function; Has not been previously published as pathogenic or benign to our knowledge

NM_018489.3(ASH1L):c.886G>C (p.Ala296Pro)

Gene: ASH1L (ASH1 like histone lysine methyltransferase; minus strand). Cytogenetic location: 1q22.
Variant type: single nucleotide variant.
Coding change: c.886G>C on transcript NM_018489.3 (MANE Select); coding-DNA position 886, G replaced by C.
Protein change: p.Ala296Pro; replaces alanine 296 with proline.
Molecular consequence: missense variant.
Genome position (GRCh38, 1-based): chr1:155,481,984, C>G on the plus strand (G>C on the coding strand, the complement: ASH1L is on the minus strand). VCF-style: chr1-155481984-C-G. GRCh37 (hg19) VCF-style: chr1-155451775-C-G.
Other names: c.886G>C, p.Ala296Pro (NM_001366177.2); short protein forms A296P.
Identifiers: ClinVar variation 2579376 (VCV002579376.3), dbSNP rs1338133463, ClinGen allele CA342740509.
Genomic context (GRCh38, chr1:155,481,984, plus strand): 5'-ATACCGCTGTAGTGCCAGTTCCCAGTTTTTTCACAGAGTCCTTATTGACCAATCCTACTG[C>G]TGCATTAAACACTGGCTTTTTCCCAGGATCTTTAGTTACCAATCCAACTGCTGTGCTGAT-3'
Protein context (NP_060959.2, residues 286-306): DPGKKPVFNA[Ala296Pro]VGLVNKDSVK